The following is an entry in ClinVar:

ClinVar aggregate classification (germline): Uncertain significance (0 of 4 stars; one submission).

Conditions:
PIEZO1-related disorder. Also called: PIEZO1-related condition; PIEZO1-Related Disorders.

gnomAD v4.1: 3 of 1,547,708 alleles (0.00019%); highest among the groups gnomAD compares: Non-Finnish European, 0.00026%; no homozygotes.

Submission:

PreventionGenetics, part of Exact Sciences
Classification: Uncertain significance for PIEZO1-related condition. Last evaluated: 2023-12-18. Review status: no assertion criteria provided. Collection method: clinical testing. Allele origin: germline.
Comment: The PIEZO1 c.4055G>T variant is predicted to result in the amino acid substitution p.Arg1352Ile. To our knowledge, this variant has not been reported in the literature or in a large population database, indicating this variant is rare. At this time, the clinical significance of this variant is uncertain due to the absence of conclusive functional and genetic evidence.

NM_001142864.4(PIEZO1):c.4055G>T (p.Arg1352Ile)

Gene: PIEZO1 (piezo type mechanosensitive ion channel component 1 (Er blood group); minus strand). Cytogenetic location: 16q24.3.
Variant type: single nucleotide variant.
Coding change: c.4055G>T on transcript NM_001142864.4 (MANE Select); coding-DNA position 4055, G replaced by T.
Protein change: p.Arg1352Ile; replaces arginine 1352 with isoleucine.
Molecular consequence: missense variant.
Genome position (GRCh38, 1-based): chr16:88,725,598, C>A on the plus strand (G>T on the coding strand, the complement: PIEZO1 is on the minus strand). VCF-style: chr16-88725598-C-A. GRCh37 (hg19) VCF-style: chr16-88792006-C-A.
Other names: c.2597G>T, p.Arg866Ile (NM_014745.1); short protein forms R1352I, R866I.
Identifiers: ClinVar variation 3029398 (VCV003029398.2), dbSNP rs2507869954, ClinGen allele CA397100783.